The following is an entry in ClinVar:

NM_015042.2(ZNF609):c.4081C>T (p.Arg1361Cys)

Gene: ZNF609 (zinc finger protein 609; plus strand). Cytogenetic location: 15q22.31.
Variant type: single nucleotide variant.
Coding change: c.4081C>T on transcript NM_015042.2 (MANE Select); coding-DNA position 4081, C replaced by T.
Protein change: p.Arg1361Cys; replaces arginine 1361 with cysteine.
Molecular consequence: missense variant.
Genome position (GRCh38, 1-based): chr15:64,680,781, C>T. VCF-style: chr15-64680781-C-T. GRCh37 (hg19) VCF-style: chr15-64972980-C-T.
Other names: short protein forms R1361C.
Identifiers: ClinVar variation 1299442 (VCV001299442.4), dbSNP rs1381024670, ClinGen allele CA392836462.

ClinVar aggregate classification (germline): Uncertain significance (1 of 4 stars; one submission).

Allele frequency attached by ClinVar (database versions not stated): gnomAD exomes below 0.00001.
gnomAD v4.1: 2 of 1,613,638 alleles (0.00012%); highest among the groups gnomAD compares: Non-Finnish European, 0.00017%; no homozygotes.

Submission:

Illumina Laboratory Services, Illumina
Classification: Uncertain significance. Last evaluated: 2020-11-30. Review status: criteria provided, single submitter. Criteria: ICSLVariantClassificationCriteria RUGD 01 April 2020. Collection method: clinical testing. Allele origin: unknown.
Comment: The ZNF609 c.4081C>T (p.Arg1361Cys) variant is a missense variant. A literature search was performed for the gene, cDNA change, and amino acid change. No publications were found based on this search. This variant is reported at a frequency of 0.000008 in the European (non-Finnish) population of the Genome Aggregation Database (version 2.1.1), though this is based on only one occurrence in a region of good sequencing coverage, which suggests the variant is rare. Based on the available evidence, the p.Arg1361Cys variant is classified as a variant of uncertain significance.